The following is an entry in ClinVar:

ClinVar aggregate classification (germline): Uncertain significance (1 of 4 stars; one submission).

Submission:

Labcorp Genetics (formerly Invitae), Labcorp
Classification: Uncertain significance. Last evaluated: 2024-07-27. Review status: criteria provided, single submitter. Criteria: Invitae Variant Classification Sherloc (09022015). Collection method: clinical testing. Allele origin: germline.
Comment: This sequence change replaces arginine, which is basic and polar, with serine, which is neutral and polar, at codon 465 of the MYLK3 protein (p.Arg465Ser). This variant is not present in population databases (gnomAD no frequency). This variant has not been reported in the literature in individuals affected with MYLK3-related conditions. An algorithm developed to predict the effect of missense changes on protein structure and function (PolyPhen-2) suggests that this variant is likely to be tolerated. In summary, the available evidence is currently insufficient to determine the role of this variant in disease. Therefore, it has been classified as a Variant of Uncertain Significance.

NM_182493.3(MYLK3):c.1395G>C (p.Arg465Ser)

Gene: MYLK3 (myosin light chain kinase 3; minus strand). Cytogenetic location: 16q11.2.
Variant type: single nucleotide variant.
Coding change: c.1395G>C on transcript NM_182493.3 (MANE Select); coding-DNA position 1395, G replaced by C.
Protein change: p.Arg465Ser; replaces arginine 465 with serine.
Molecular consequence: missense variant.
Genome position (GRCh38, 1-based): chr16:46,732,275, C>G on the plus strand (G>C on the coding strand, the complement: MYLK3 is on the minus strand). VCF-style: chr16-46732275-C-G. GRCh37 (hg19) VCF-style: chr16-46766187-C-G.
Other names: c.372G>C, p.Arg124Ser (NM_001308301.1); short protein forms R465S, R124S.
Identifiers: ClinVar variation 3660713 (VCV003660713.2).
Genomic context (GRCh38, chr16:46,732,275, plus strand): 5'-CACGCTGCCAGCCTCGGCGCCTGGGGGCATCCTCCTTACTGCTTCAGCTCTCACCGGAGC[C>G]CTGGCTGCACAGTCCTGCTCAGGCTCAGGGTTTCCCGCCCCTGGGCTTTTGCCCTGCTGC-3'
Protein context (NP_872299.2, residues 455-475): NPEPEQDCAA[Arg465Ser]APVRAEAVRR